The following is an entry in ClinVar:

NM_000520.6(HEXA):c.1351C>G (p.Leu451Val)

Gene: HEXA (hexosaminidase subunit alpha; minus strand). Cytogenetic location: 15q23.
Variant type: single nucleotide variant.
Coding change: c.1351C>G on transcript NM_000520.6 (MANE Select); coding-DNA position 1351, C replaced by G.
Protein change: p.Leu451Val; replaces leucine 451 with valine.
Molecular consequence: missense variant. On other transcripts: non-coding transcript variant (1).
Genome position (GRCh38, 1-based): chr15:72,346,305, G>C on the plus strand (C>G on the coding strand, the complement: HEXA is on the minus strand). VCF-style: chr15-72346305-G-C. GRCh37 (hg19) VCF-style: chr15-72638646-G-C.
Other names: c.1384C>G, p.Leu462Val (NM_001318825.2); short protein forms L451V, L462V.
Identifiers: ClinVar variation 3942 (VCV000003942.174), dbSNP rs28940871, ClinGen allele CA252936.

ClinVar aggregate classification (germline): Uncertain significance. Review status: criteria provided, single submitter (1 of 4 stars). 3 submissions from 3 submitters: Uncertain significance (1). 2 of the submissions do not count toward it. Last evaluated 2026-08-12.

Conditions:
Tay-Sachs disease (TSD). Also called: HEXA DEFICIENCY; Hexosaminidase A Deficiency; HEXA Disorders; GM2 gangliosidosis, type 1; Hexosaminidase alpha-subunit deficiency (variant B); Sphingolipidosis, Tay-Sachs. Identifiers: Orphanet 845, MedGen C0039373, MONDO:0010100, OMIM 272800.

Allele frequency attached by ClinVar (database versions not stated): gnomAD 0.00001; gnomAD exomes below 0.00001.

Submissions (3):

Myriad Genetics, Inc.
Classification: Uncertain significance for Tay-Sachs disease. Last evaluated: 2026-08-12. Review status: criteria provided, single submitter. Criteria: Myriad Autosomal Dominant, Autosomal Recessive and X-Linked Classification Criteria (2023). Collection method: clinical testing. Allele origin: unknown.
Comment: NM_000520.4(HEXA):c.1351C>G(L451V) is a missense variant classified as a variant of uncertain significance in the context of hexosaminidase A deficiency. L451V has not been observed in cases with relevant disease. Relevant functional assessments of this variant are available in the literature (Peleg_2012_(Abstract)). L451V has not been observed in referenced population frequency databases. In summary, there is insufficient evidence to classify NM_000520.4(HEXA):c.1351C>G(L451V) as pathogenic or benign. Please note: this variant was assessed in the context of healthy population screening.

Counsyl
Classification: Uncertain significance for Tay-Sachs disease. Last evaluated: 2017-06-28. Review status: no assertion criteria provided. Collection method: clinical testing. Allele origin: unknown. Not counted in ClinVar's aggregate classification.

OMIM
Classification: Pathogenic for TAY-SACHS DISEASE. Last evaluated: 2004-02-01. Review status: no assertion criteria provided. Collection method: literature only. Allele origin: germline. Not counted in ClinVar's aggregate classification.

Literature cited by the submitters: PubMed 14648242 (cited by Counsyl and OMIM).